The following is an entry in ClinVar:

NM_005097.4(LGI1):c.983A>G (p.Lys328Arg)

Gene: LGI1 (leucine rich glioma inactivated 1; plus strand). Cytogenetic location: 10q23.33.
Variant type: single nucleotide variant.
Coding change: c.983A>G on transcript NM_005097.4 (MANE Select); coding-DNA position 983, A replaced by G.
Protein change: p.Lys328Arg; replaces lysine 328 with arginine.
Molecular consequence: missense variant. On other transcripts: non-coding transcript variant (1), intron variant (1).
Genome position (GRCh38, 1-based): chr10:93,797,112, A>G. VCF-style: chr10-93797112-A-G. GRCh37 (hg19) VCF-style: chr10-95556869-A-G.
Other names: c.839A>G, p.Lys280Arg (NM_001308276.2); c.839-637A>G (NM_001308275.2); short protein forms K328R, K280R.
Identifiers: ClinVar variation 1388828 (VCV001388828.8), dbSNP rs778819952, ClinGen allele CA5611212.

ClinVar aggregate classification (germline): Uncertain significance (1 of 4 stars; one submission).

Conditions:
Autosomal dominant epilepsy with auditory features. Identifiers: Orphanet 101046, MedGen C1838062, MONDO:0010898.

Allele frequency attached by ClinVar (database versions not stated): ExAC 0.00001; gnomAD exomes 0.00002; TOPMed 0.00002.
gnomAD v4.1: 24 of 1,613,686 alleles (0.0015%); highest among the groups gnomAD compares: Non-Finnish European, 0.0019%; no homozygotes.

Submission:

Labcorp Genetics (formerly Invitae), Labcorp
Classification: Uncertain significance for Autosomal dominant epilepsy with auditory features. Last evaluated: 2024-03-03. Review status: criteria provided, single submitter. Criteria: Invitae Variant Classification Sherloc (09022015). Collection method: clinical testing. Allele origin: germline.
Comment: This sequence change replaces lysine, which is basic and polar, with arginine, which is basic and polar, at codon 328 of the LGI1 protein (p.Lys328Arg). This variant is present in population databases (rs778819952, gnomAD 0.004%). This variant has not been reported in the literature in individuals affected with LGI1-related conditions. ClinVar contains an entry for this variant (Variation ID: 1388828). Advanced modeling of protein sequence and biophysical properties (such as structural, functional, and spatial information, amino acid conservation, physicochemical variation, residue mobility, and thermodynamic stability) performed at Invitae indicates that this missense variant is not expected to disrupt LGI1 protein function with a negative predictive value of 80%. In summary, the available evidence is currently insufficient to determine the role of this variant in disease. Therefore, it has been classified as a Variant of Uncertain Significance.